The following is an entry in ClinVar:

NM_001256789.3(CACNA1F):c.4186_4187insCCCTA (p.Gly1396fs)

Gene: CACNA1F (calcium voltage-gated channel subunit alpha1 F; minus strand). Cytogenetic location: Xp11.23.
Variant type: Insertion.
Coding change: c.4186_4187insCCCTA on transcript NM_001256789.3 (MANE Select); coding-DNA positions 4186 to 4187, CCCTA inserted.
Protein change: p.Gly1396fs; shifts the reading frame from glycine 1396.
Molecular consequence: frameshift variant.
Genome position: GRCh38 VCF-style: chrX-49211395-C-CTAGGG. GRCh37 (hg19) VCF-style: chrX-49067855-C-CTAGGG.
Other names: c.4024_4025insCCCTA, p.Gly1342fs (NM_001256790.3); c.4219_4220insCCCTA, p.Gly1407fs (NM_005183.4); short protein forms G1342fs, G1396fs, G1407fs.
Identifiers: ClinVar variation 2671737 (VCV002671737.1), dbSNP rs2520789817, ClinGen allele CA2695200216.
Genomic context (GRCh38, chrX:49,211,395, plus strand): 5'-AGCATGAAGAAGCTGATGAAATAGGCGATGGCAAAATTGCTACCACAGGTAAACTCTTCA[C>CTAGGG]CAGGGCCGAAGTCAGACTCAGGATCACACCGATTTCCGGGAAGGCTGGCAAGCATTATCT-3'

ClinVar aggregate classification (germline): Likely pathogenic (1 of 4 stars; one submission).

Conditions:
Aland island eye disease (AIED). Also called: Forsius Eriksson type ocular albinism. Identifiers: Orphanet 178333, MedGen C0268505, MONDO:0010371, OMIM 300600.

Submission:

Neuberg Centre For Genomic Medicine, NCGM
Classification: Likely pathogenic for Aland island eye disease. Last evaluated: 2023-02-14. Review status: criteria provided, single submitter. Criteria: ACMG Guidelines, 2015. Collection method: clinical testing. Allele origin: germline. Inheritance: X-linked inheritance. Affected: yes.
Comment: The frameshift c.4186_4187insCCCTA (p.Gly1396AlafsTer27) variant in CACNA1F gene has not been reported previously as a pathogenic variant nor as a benign variant, to our knowledge. The p.Gly1396AlafsTer27 variant is novel (not in any individuals) in both gnomAD Exomes and 1000 Genomes databases. This variant has not been reported to the ClinVar database. This variant causes a frameshift starting with codon Glycine 1396, changes this amino acid to Alanine residue, and creates a premature Stop codon at position 27 of the new reading frame, denoted p.Gly1396AlafsTer27. This variant is predicted to cause loss of normal protein function through protein truncation. Loss of function variants have been previously reported to be disease causing. For these reasons, this variant has been classified as Likely Pathogenic.